The following is an entry in ClinVar:

ClinVar aggregate classification (germline): Uncertain significance. Review status: criteria provided, multiple submitters, no conflicts (2 of 4 stars). 2 submissions from 2 submitters: Uncertain significance (2). Last evaluated 2024-07-02.

Submissions (2):

GeneDx
Classification: Uncertain significance. Last evaluated: 2024-07-02. Review status: criteria provided, single submitter. Criteria: GeneDx Variant Classification Process June 2021. Collection method: clinical testing. Allele origin: germline. Affected: yes.
Comment: Not observed at significant frequency in large population cohorts (gnomAD); In silico analysis supports that this missense variant has a deleterious effect on protein structure/function; Has not been previously published as pathogenic or benign to our knowledge

Blueprint Genetics
Classification: Uncertain significance. Last evaluated: 2023-03-22. Review status: criteria provided, single submitter. Criteria: ACMG Guidelines, 2015. Collection method: clinical testing. Allele origin: germline.

NM_001128840.3(CACNA1D):c.4500A>G (p.Ile1500Met)

Gene: CACNA1D (calcium voltage-gated channel subunit alpha1 D; plus strand). Cytogenetic location: 3p21.1.
Variant type: single nucleotide variant.
Coding change: c.4500A>G on transcript NM_001128840.3 (MANE Select); coding-DNA position 4500, A replaced by G.
Protein change: p.Ile1500Met; replaces isoleucine 1500 with methionine.
Molecular consequence: missense variant.
Genome position (GRCh38, 1-based): chr3:53,776,869, A>G. VCF-style: chr3-53776869-A-G. GRCh37 (hg19) VCF-style: chr3-53810896-A-G.
Other names: c.4560A>G, p.Ile1520Met (NM_000720.4); c.4455A>G, p.Ile1485Met (NM_001128839.3); short protein forms I1485M, I1500M, I1520M.
Identifiers: ClinVar variation 3393709 (VCV003393709.2).
Genomic context (GRCh38, chr3:53,776,869, plus strand): 5'-TTCGGGCCAGCTGGTACTGTTCCTGGACCTTAGATTGTATTTTACTTCCAGGGGAAGGAT[A>G]AAACACCTTGATGTGGTCACTCTGCTTCGACGCATCCAGCCTCCCCTGGGGTTTGGGAAG-3'
Protein context (NP_001122312.1, residues 1490-1510): SEYDPEAKGR[Ile1500Met]KHLDVVTLLR